The following is an entry in ClinVar:

ClinVar aggregate classification (germline): Pathogenic (1 of 4 stars; one submission).

Conditions:
Ataxia-telangiectasia syndrome (AT). Also called: ATAXIA-TELANGIECTASIA, FRESNO VARIANT; Ataxia-telangiectasia, complementation group E; Ataxia telangiectasia (A-T); LOUIS-BAR SYNDROME; Ataxia-telangiectasia, complementation group D; AT, COMPLEMENTATION GROUP C. Identifiers: Orphanet 100, MedGen C0004135, MONDO:0008840, OMIM 208900.

Submission:

Labcorp Genetics (formerly Invitae), Labcorp
Classification: Pathogenic for Ataxia-telangiectasia syndrome. Last evaluated: 2023-01-08. Review status: criteria provided, single submitter. Criteria: Invitae Variant Classification Sherloc (09022015). Collection method: clinical testing. Allele origin: germline.
Comment: This variant has not been reported in the literature in individuals affected with ATM-related conditions. This variant is not present in population databases (gnomAD no frequency). This sequence change creates a premature translational stop signal (p.Gln298*) in the ATM gene. It is expected to result in an absent or disrupted protein product. Loss-of-function variants in ATM are known to be pathogenic (PMID: 23807571, 25614872). ClinVar contains an entry for this variant (Variation ID: 966621). For these reasons, this variant has been classified as Pathogenic.

Literature cited by the submitters: PubMed 23807571; PubMed 25614872.

NM_000051.4(ATM):c.892C>T (p.Gln298Ter)

Gene: ATM (ATM serine/threonine kinase; plus strand). Cytogenetic location: 11q22.3.
Variant type: single nucleotide variant.
Coding change: c.892C>T on transcript NM_000051.4 (MANE Select); coding-DNA position 892, C replaced by T.
Protein change: p.Gln298Ter; replaces glutamine 298 with a stop codon.
Molecular consequence: nonsense.
Genome position (GRCh38, 1-based): chr11:108,245,017, C>T. VCF-style: chr11-108245017-C-T. GRCh37 (hg19) VCF-style: chr11-108115744-C-T.
Other names: c.892C>T, p.Gln298Ter (NM_001351834.2); short protein forms Q298*.
Identifiers: ClinVar variation 966621 (VCV000966621.7), dbSNP rs2079775247, ClinGen allele CA382529615.